The following is an entry in ClinVar:

NM_000059.4(BRCA2):c.10067C>T (p.Ser3356Leu)

Gene: BRCA2 (BRCA2 DNA repair associated; plus strand). Cytogenetic location: 13q13.1.
Variant type: single nucleotide variant.
Coding change: c.10067C>T on transcript NM_000059.4 (MANE Select); coding-DNA position 10067, C replaced by T.
Protein change: p.Ser3356Leu; replaces serine 3356 with leucine.
Molecular consequence: missense variant.
Genome position (GRCh38, 1-based): chr13:32,398,580, C>T. VCF-style: chr13-32398580-C-T. GRCh37 (hg19) VCF-style: chr13-32972717-C-T.
Other names: c.9971C>T, p.Ser3324Leu (NM_001406719.1); c.10016C>T, p.Ser3339Leu (NM_001406720.1); c.5135C>T, p.Ser1712Leu (NM_001406721.1); c.3650C>T, p.Ser1217Leu (NM_001406722.1); short protein forms S3324L, S1712L, S1217L, S3339L, S3356L.
Identifiers: ClinVar variation 1783661 (VCV001783661.2), dbSNP rs2137666274, ClinGen allele CA387767889.
Genomic context (GRCh38, chr13:32,398,580, plus strand): 5'-GTAATTCAATAGCTGACGAAGAACTTGCATTGATAAATACCCAAGCTCTTTTGTCTGGTT[C>T]AACAGGAGAAAAACAATTTATATCTGTCAGTGAATCCACTAGGACTGCTCCCACCAGTTC-3'
Protein context (NP_000050.3, residues 3346-3366): LINTQALLSG[Ser3356Leu]TGEKQFISVS

ClinVar aggregate classification (germline): Uncertain significance (1 of 4 stars; one submission).

Conditions:
Hereditary cancer-predisposing syndrome. Also called: Neoplastic Syndromes, Hereditary; Tumor predisposition; Hereditary Cancer Syndrome; Hereditary neoplastic syndrome. Identifiers: Orphanet 140162, MedGen C0027672, MeSH D009386, MONDO:0015356.

gnomAD v4.1: 1 of 1,614,098 alleles (0.000062%); no homozygotes.

Submission:

Ambry Genetics
Classification: Uncertain significance for Hereditary cancer-predisposing syndrome. Last evaluated: 2020-04-29. Review status: criteria provided, single submitter. Criteria: Ambry Variant Classification Scheme 2023. Collection method: clinical testing. Allele origin: germline.
Comment: The p.S3356L variant (also known as c.10067C>T), located in coding exon 26 of the BRCA2 gene, results from a C to T substitution at nucleotide position 10067. The serine at codon 3356 is replaced by leucine, an amino acid with dissimilar properties. This amino acid position is not well conserved in available vertebrate species. In addition, this alteration is predicted to be tolerated by in silico analysis. Since supporting evidence is limited at this time, the clinical significance of this alteration remains unclear.